The following is an entry in ClinVar:

ClinVar aggregate classification (germline): Pathogenic (1 of 4 stars; one submission).

Conditions:
Hereditary cancer-predisposing syndrome. Also called: Neoplastic Syndromes, Hereditary; Tumor predisposition; Hereditary Cancer Syndrome; Hereditary neoplastic syndrome. Identifiers: Orphanet 140162, MedGen C0027672, MeSH D009386, MONDO:0015356.

Submission:

Ambry Genetics
Classification: Pathogenic for Hereditary cancer-predisposing syndrome. Last evaluated: 2021-04-02. Review status: criteria provided, single submitter. Criteria: Ambry Variant Classification Scheme 2023. Collection method: clinical testing. Allele origin: germline.
Comment: The p.L355* pathogenic mutation (also known as c.1064T>A), located in coding exon 10 of the PMS2 gene, results from a T to A substitution at nucleotide position 1064. This changes the amino acid from a leucine to a stop codon within coding exon 10. This alteration is expected to result in loss of function by premature protein truncation or nonsense-mediated mRNA decay. As such, this alteration is interpreted as a disease-causing mutation.

NM_000535.7(PMS2):c.1064T>A (p.Leu355Ter)

Gene: PMS2 (PMS1 homolog 2, mismatch repair system component; minus strand). Cytogenetic location: 7p22.1.
Variant type: single nucleotide variant.
Coding change: c.1064T>A on transcript NM_000535.7 (MANE Select); coding-DNA position 1064, T replaced by A.
Protein change: p.Leu355Ter; replaces leucine 355 with a stop codon.
Molecular consequence: nonsense. On other transcripts: non-coding transcript variant (1), intron variant (2).
Genome position (GRCh38, 1-based): chr7:5,989,880, A>T on the plus strand (T>A on the coding strand, the complement: PMS2 is on the minus strand). VCF-style: chr7-5989880-A-T. GRCh37 (hg19) VCF-style: chr7-6029511-A-T.
Other names: c.659T>A, p.Leu220Ter (NM_001406897.1, NM_001406898.1, NM_001406899.1 and 17 more transcripts); c.746T>A, p.Leu249Ter (NM_001406903.1, NM_001322007.2, NM_001322008.2 and 2 more transcripts); c.551T>A, p.Leu184Ter (NM_001406904.1, NM_001406905.1); c.491T>A, p.Leu164Ter (NM_001406909.1, NM_001322013.2); c.293T>A, p.Leu98Ter (NM_001406911.1); c.583+2093T>A (NM_001322010.2); c.988+2093T>A (NM_001322006.2); c.131T>A, p.Leu44Ter (NM_001322011.2, NM_001322012.2); and 9 more; short protein forms L184*, L220*, L233*, L363*, L417*, L164*, L243*, L252*.
Identifiers: ClinVar variation 1781315 (VCV001781315.2), dbSNP rs1783532593, ClinGen allele CA366742886.
Genomic context (GRCh38, chr7:5,989,880, plus strand): 5'-TGCTGACTGACATTTAGCTTGTTGACATCACTATCAAACATTCCTATCAAAGAGGTCTTT[A>T]AAACTGCCAACAAAAGCTTTTCCTCTTGTAGCAAAATTTGCCTTTTATCTGGAGTAACAT-3'